The following is an entry in ClinVar:

NM_052947.4(ALPK2):c.78G>T (p.Lys26Asn)

Gene: ALPK2 (alpha kinase 2; minus strand). Cytogenetic location: 18q21.32.
Variant type: single nucleotide variant.
Coding change: c.78G>T on transcript NM_052947.4 (MANE Select); coding-DNA position 78, G replaced by T.
Protein change: p.Lys26Asn; replaces lysine 26 with asparagine.
Molecular consequence: missense variant.
Genome position (GRCh38, 1-based): chr18:58,611,720, C>A on the plus strand (G>T on the coding strand, the complement: ALPK2 is on the minus strand). VCF-style: chr18-58611720-C-A. GRCh37 (hg19) VCF-style: chr18-56278952-C-A.
Other names: short protein forms K26N.
Identifiers: ClinVar variation 3288961 (VCV003288961.1).
Genomic context (GRCh38, chr18:58,611,720, plus strand): 5'-GGGTGATTAGCTAGTCTAGTGATGGTTACCAGATATTATGCAGCGAAGCACAGCGTCTGA[C>A]TTCTCAGGAACCTTCTGGGAAAGCAATGTAGATAAAAAACACAGCGGGGGCCTCTGGGGC-3'
Protein context (NP_443179.3, residues 16-36): STLLSQKVPE[Lys26Asn]SDAVLRCIIS

ClinVar aggregate classification (germline): Uncertain significance (1 of 4 stars; one submission).

Submission:

Ambry Genetics
Classification: Uncertain significance. Last evaluated: 2024-05-15. Review status: criteria provided, single submitter. Criteria: Ambry Variant Classification Scheme 2023. Collection method: clinical testing. Allele origin: germline.
Comment: The p.K26N variant (also known as c.78G>T), located in coding exon 1 of the ALPK2 gene, results from a G to T substitution at nucleotide position 78. The lysine at codon 26 is replaced by asparagine, an amino acid with similar properties. This amino acid position is conserved. In addition, this alteration is predicted to be tolerated by in silico analysis. Based on the available evidence, the clinical significance of this variant remains unclear.